The following is an entry in ClinVar:

ClinVar aggregate classification (germline): Uncertain significance. Review status: criteria provided, multiple submitters, no conflicts (2 of 4 stars). 3 submissions from 3 submitters: Uncertain significance (3). Last evaluated 2025-09-23.

Conditions:
Cardiovascular phenotype. Identifiers: MedGen CN230736.

Allele frequency attached by ClinVar (database versions not stated): TOPMed 0.00003; gnomAD 0.00005; 1000 Genomes Project 30x 0.00016.
gnomAD v4.1: 31 of 1,580,642 alleles (0.002%); highest among the groups gnomAD compares: African/African-American, 0.019%; no homozygotes.

Submissions (3):

Women's Health and Genetics/Laboratory Corporation of America, LabCorp
Classification: Uncertain significance. Last evaluated: 2025-09-23. Review status: criteria provided, single submitter. Criteria: LabCorp Variant Classification Summary - May 2015. Collection method: clinical testing. Allele origin: germline.
Comment: Variant summary: TNXB c.2738G>A (p.Gly913Asp) results in a non-conservative amino acid change in the encoded protein sequence. Algorithms developed to predict the effect of missense changes on protein structure and function are either unavailable or do not agree on the potential impact of this missense change. The variant allele was found at a frequency of 5e-06 in 200018 control chromosomes. The available data on variant occurrences in the general population are insufficient to allow any conclusion about variant significance. To our knowledge, no occurrence of c.2738G>A in individuals affected with TNXB-related conditions and no experimental evidence demonstrating its impact on protein function have been reported. ClinVar contains an entry for this variant (Variation ID: 1712042). Based on the evidence outlined above, the variant was classified as uncertain significance.

Ambry Genetics
Classification: Uncertain significance for Cardiovascular phenotype. Last evaluated: 2025-04-12. Review status: criteria provided, single submitter. Criteria: Ambry Variant Classification Scheme 2023. Collection method: clinical testing. Allele origin: germline.

GeneDx
Classification: Uncertain significance. Last evaluated: 2022-04-19. Review status: criteria provided, single submitter. Criteria: GeneDx Variant Classification Process June 2021. Collection method: clinical testing. Allele origin: germline. Affected: yes.
Comment: Has not been previously published as pathogenic or benign to our knowledge; Not observed at significant frequency in large population cohorts (gnomAD); In silico analysis supports that this missense variant has a deleterious effect on protein structure/function

NM_001365276.2(TNXB):c.2738G>A (p.Gly913Asp)

Gene: TNXB (tenascin XB; minus strand). Cytogenetic location: 6p21.33.
Variant type: single nucleotide variant.
Coding change: c.2738G>A on transcript NM_001365276.2 (MANE Select); coding-DNA position 2738, G replaced by A.
Protein change: p.Gly913Asp; replaces glycine 913 with aspartic acid.
Molecular consequence: missense variant.
Genome position (GRCh38, 1-based): chr6:32,088,826, C>T on the plus strand (G>A on the coding strand, the complement: TNXB is on the minus strand). VCF-style: chr6-32088826-C-T. GRCh37 (hg19) VCF-style: chr6-32056603-C-T.
Other names: c.2738G>A, p.Gly913Asp (NM_019105.8); short protein forms G913D.
Identifiers: ClinVar variation 1712042 (VCV001712042.4), dbSNP rs942438835, ClinGen allele CA136900673.